The following is an entry in ClinVar:

NM_000557.5(GDF5):c.421C>T (p.Pro141Ser)

Gene: GDF5 (growth differentiation factor 5; minus strand). Cytogenetic location: 20q11.22.
Variant type: single nucleotide variant.
Coding change: c.421C>T on transcript NM_000557.5 (MANE Select); coding-DNA position 421, C replaced by T.
Protein change: p.Pro141Ser; replaces proline 141 with serine.
Molecular consequence: missense variant.
Genome position (GRCh38, 1-based): chr20:35,437,508, G>A on the plus strand (C>T on the coding strand, the complement: GDF5 is on the minus strand). VCF-style: chr20-35437508-G-A. GRCh37 (hg19) VCF-style: chr20-34025288-G-A.
Other names: c.421C>T, p.Pro141Ser (NM_001319138.2); short protein forms P141S.
Identifiers: ClinVar variation 3657863 (VCV003657863.2).

ClinVar aggregate classification (germline): Uncertain significance (1 of 4 stars; one submission).

Submission:

Labcorp Genetics (formerly Invitae), Labcorp
Classification: Uncertain significance. Last evaluated: 2024-07-02. Review status: criteria provided, single submitter. Criteria: Invitae Variant Classification Sherloc (09022015). Collection method: clinical testing. Allele origin: germline.
Comment: This sequence change replaces proline, which is neutral and non-polar, with serine, which is neutral and polar, at codon 141 of the GDF5 protein (p.Pro141Ser). This variant is not present in population databases (gnomAD no frequency). This variant has not been reported in the literature in individuals affected with GDF5-related conditions. Advanced modeling of protein sequence and biophysical properties (such as structural, functional, and spatial information, amino acid conservation, physicochemical variation, residue mobility, and thermodynamic stability) performed at Invitae indicates that this missense variant is not expected to disrupt GDF5 protein function with a negative predictive value of 80%. In summary, the available evidence is currently insufficient to determine the role of this variant in disease. Therefore, it has been classified as a Variant of Uncertain Significance.